The following is an entry in ClinVar:

NM_001346953.2(EXO5):c.452T>C (p.Leu151Pro)

Gene: EXO5 (exonuclease 5; plus strand). Cytogenetic location: 1p34.2.
Variant type: single nucleotide variant.
Coding change: c.452T>C on transcript NM_001346953.2 (MANE Select); coding-DNA position 452, T replaced by C.
Protein change: p.Leu151Pro; replaces leucine 151 with proline.
Molecular consequence: missense variant.
Genome position (GRCh38, 1-based): chr1:40,514,996, T>C. VCF-style: chr1-40514996-T-C. GRCh37 (hg19) VCF-style: chr1-40980668-T-C.
Other names: c.452T>C, p.Leu151Pro (NM_001346951.2, NM_001346952.2, NM_001346954.2 and 8 more transcripts); short protein forms L151P.
Identifiers: ClinVar variation 1181125 (VCV001181125.11), dbSNP rs35672330, ClinGen allele CA793297.

ClinVar aggregate classification (germline): Benign. Review status: criteria provided, multiple submitters, no conflicts (2 of 4 stars). 3 submissions from 3 submitters: Benign (3). Last evaluated 2026-02-02.

Allele frequency attached by ClinVar (database versions not stated): 1000 Genomes Project 30x 0.02124; TOPMed 0.04099; gnomAD 0.04293 and 0.04447; ExAC 0.04120; gnomAD exomes 0.04354 and 0.05792; ESP Exome Variant Server 0.04805; 1000 Genomes Project 0.01977.
gnomAD v4.1: 90,908 of 1,614,046 alleles (5.6%); highest among the groups gnomAD compares: Non-Finnish European, 6.6%; 2,900 homozygotes.

Submissions (3):

Labcorp Genetics (formerly Invitae), Labcorp
Classification: Benign. Last evaluated: 2026-02-02. Review status: criteria provided, single submitter. Criteria: Invitae Variant Classification Sherloc (09022015). Collection method: clinical testing. Allele origin: germline.

GeneDx
Classification: Benign. Last evaluated: 2020-04-27. Review status: criteria provided, single submitter. Criteria: GeneDx Variant Classification Process June 2021. Collection method: clinical testing. Allele origin: germline. Affected: yes.
Comment: This variant is associated with the following publications: (PMID: 31616062)

Breakthrough Genomics
Classification: Benign. Review status: criteria provided, single submitter. Criteria: ACMG Guidelines, 2015. Collection method: not provided. Allele origin: germline. Inheritance: Unknown mechanism. Affected: yes.